The following is an entry in ClinVar:

NM_007294.4(BRCA1):c.441+18_441+21delinsT

Gene: BRCA1 (BRCA1 DNA repair associated; minus strand). Cytogenetic location: 17q21.31.
Variant type: Indel.
Coding change: c.441+18_441+21delinsT on transcript NM_007294.4 (MANE Select); bases 18 to 21 of the intron after coding-DNA position 441, CTTC replaced by T.
Molecular consequence: intron variant.
Genome position (GRCh38, 1-based): chr17:43,104,101-43,104,104, GAAG replaced by A on the plus strand (CTTC replaced by T on the coding strand, the reverse complement: BRCA1 is on the minus strand). VCF-style: chr17-43104101-GAAG-A. GRCh37 (hg19) VCF-style: chr17-41256118-GAAG-A.
Other names: c.300+18_300+21delinsT (NM_001408458.1, NM_001407931.1, NM_001407747.1 and 99 more transcripts); c.-218-9244_-218-9241delinsT (NM_001407967.1, NM_001407966.1); c.60+18_60+21delinsT (NM_001407959.1, NM_001407962.1, NM_001408512.1 and 4 more transcripts); c.231+18_231+21delinsT (NM_001407885.1, NM_001407886.1, NM_001407898.1 and 58 more transcripts); c.441+18_441+21delinsT (NM_001407686.1, NM_001408397.1, NM_001407632.1 and 164 more transcripts); c.309+18_309+21delinsT (NM_001408451.1); c.363+18_363+21delinsT (NM_001408475.1, NM_001407875.1, NM_001407659.1 and 21 more transcripts); c.432+18_432+21delinsT (NM_001408408.1, NM_001407647.1, NM_001407646.1).
Identifiers: ClinVar variation 496381 (VCV000496381.2), dbSNP rs1555596265, ClinGen allele CA658684041.

ClinVar aggregate classification (germline): Uncertain significance (1 of 4 stars; one submission).

Submission:

Women's Health and Genetics/Laboratory Corporation of America, LabCorp
Classification: Uncertain significance. Last evaluated: 2016-12-14. Review status: criteria provided, single submitter. Criteria: LabCorp Variant Classification Summary - May 2015. Collection method: clinical testing. Allele origin: germline.
Comment: Variant summary: The BRCA1 c.441+18_441+21delinsT variant involves the alteration of intronic nucleotides located in a repetitive CTT region. Splice prediction tools, 5/5 predict no significant impact on normal splicing. However, these predictions have yet to be confirmed by functional studies. The variant of interest was not observed in controls (ExAC, 1000 Gs, or ESP), nor has it been, to our knowledge, been reported in affected individuals via publications and/or reputable databases/clinical diagnostic laboratories. Therefore, until additional information becomes available the variant of interest has been classified as a "Variant of Uncertain Significance - possibly benign."